The following is an entry in ClinVar:

ClinVar aggregate classification (germline): Uncertain significance (1 of 4 stars; one submission).

Conditions:
MHC class II deficiency. Also called: Bare lymphocyte syndrome 2; BLS, TYPE II. Identifiers: Orphanet 572, MedGen C5447452, MONDO:0008855.

Submission:

Labcorp Genetics (formerly Invitae), Labcorp
Classification: Uncertain significance for SCID due to absent class II HLA antigens. Last evaluated: 2019-07-18. Review status: criteria provided, single submitter. Criteria: Invitae Variant Classification Sherloc (09022015). Collection method: clinical testing. Allele origin: germline.
Comment: This sequence change replaces glutamic acid with lysine at codon 133 of the CIITA protein (p.Glu133Lys). The glutamic acid residue is moderately conserved and there is a small physicochemical difference between glutamic acid and lysine. This variant is not present in population databases (ExAC no frequency). This variant has not been reported in the literature in individuals with CIITA-related conditions. Algorithms developed to predict the effect of missense changes on protein structure and function are either unavailable or do not agree on the potential impact of this missense change (SIFT: "Deleterious"; PolyPhen-2: "Possibly Damaging"; Align-GVGD: "Class C0"). In summary, the available evidence is currently insufficient to determine the role of this variant in disease. Therefore, it has been classified as a Variant of Uncertain Significance.

NM_000246.4(CIITA):c.397G>A (p.Glu133Lys)

Gene: CIITA (class II major histocompatibility complex transactivator; plus strand). Cytogenetic location: 16p13.13.
Variant type: single nucleotide variant.
Coding change: c.397G>A on transcript NM_000246.4 (MANE Select); coding-DNA position 397, G replaced by A.
Protein change: p.Glu133Lys; replaces glutamic acid 133 with lysine.
Molecular consequence: missense variant. On other transcripts: non-coding transcript variant (1).
Genome position (GRCh38, 1-based): chr16:10,898,963, G>A. VCF-style: chr16-10898963-G-A. GRCh37 (hg19) VCF-style: chr16-10992820-G-A.
Other names: c.400G>A, p.Glu134Lys (NM_001286402.1, NM_001379330.1, NM_001379332.1); c.397G>A, p.Glu133Lys (NM_001286403.2, NM_001379331.1, NM_001379333.1); c.328G>A, p.Glu110Lys (NM_001379334.1); short protein forms E134K, E133K, E110K.
Identifiers: ClinVar variation 953953 (VCV000953953.1), dbSNP rs1398227497, ClinGen allele CA394727641.
Genomic context (GRCh38, chr16:10,898,963, plus strand): 5'-TCTCTGGTTTTTCTCAAAGTAGAGCACATAGGACCAGATGAAGTGATCGGTGAGAGTATG[G>A]AGATGCCAGCAGAAGTTGGGCAGAAAAGTCAGAAAAGACGTGAGTGAGCCCCTCCCTGAT-3'
Protein context (NP_000237.2, residues 123-143): GPDEVIGESM[Glu133Lys]MPAEVGQKSQ